The following is an entry in ClinVar:

NM_020821.3(VPS13C):c.7178A>C (p.Lys2393Thr)

Gene: VPS13C (vacuolar protein sorting 13 homolog C; minus strand). Cytogenetic location: 15q22.2.
Variant type: single nucleotide variant.
Coding change: c.7178A>C on transcript NM_020821.3 (MANE Select); coding-DNA position 7178, A replaced by C.
Protein change: p.Lys2393Thr; replaces lysine 2393 with threonine.
Molecular consequence: missense variant.
Genome position (GRCh38, 1-based): chr15:61,920,532, T>G on the plus strand (A>C on the coding strand, the complement: VPS13C is on the minus strand). VCF-style: chr15-61920532-T-G. GRCh37 (hg19) VCF-style: chr15-62212731-T-G.
Other names: c.7178A>C, p.Lys2393Thr (NM_001018088.3); c.7049A>C, p.Lys2350Thr (NM_017684.5, NM_018080.4); short protein forms K2393T, K2350T.
Identifiers: ClinVar variation 2040823 (VCV002040823.4), dbSNP rs758929774, ClinGen allele CA7595342.

ClinVar aggregate classification (germline): Uncertain significance (1 of 4 stars; one submission).

Allele frequency attached by ClinVar (database versions not stated): gnomAD exomes 0.00001; ExAC 0.00002.
gnomAD v4.1: 11 of 1,556,310 alleles (0.00071%); highest among the groups gnomAD compares: South Asian, 0.014%; no homozygotes.

Submission:

Labcorp Genetics (formerly Invitae), Labcorp
Classification: Uncertain significance. Last evaluated: 2022-04-20. Review status: criteria provided, single submitter. Criteria: Invitae Variant Classification Sherloc (09022015). Collection method: clinical testing. Allele origin: germline.
Comment: In summary, the available evidence is currently insufficient to determine the role of this variant in disease. Therefore, it has been classified as a Variant of Uncertain Significance. Algorithms developed to predict the effect of missense changes on protein structure and function are either unavailable or do not agree on the potential impact of this missense change (SIFT: "Tolerated"; PolyPhen-2: "Probably Damaging"; Align-GVGD: "Class C0"). This variant has not been reported in the literature in individuals affected with VPS13C-related conditions. This variant is present in population databases (rs758929774, gnomAD 0.009%). This sequence change replaces lysine, which is basic and polar, with threonine, which is neutral and polar, at codon 2393 of the VPS13C protein (p.Lys2393Thr).